The following is an entry in ClinVar:

ClinVar aggregate classification (germline): Likely pathogenic (1 of 4 stars; one submission).

Conditions:
Cone-rod dystrophy and hearing loss 1 (CRDHL1). Identifiers: MedGen C5193018, MONDO:0020778, OMIM 617236.

Submission:

Dasa
Classification: Likely pathogenic for Cone-rod dystrophy and hearing loss 1. Last evaluated: 2025-02-14. Review status: criteria provided, single submitter. Criteria: DASA Assertion Criteria. Collection method: clinical testing. Allele origin: germline.
Comment: NM_001330691.3(CEP78):c.1760del (p.Pro587Argfs*6) is a frameshift variant in CEP78 predicted to alter the reading frame and introduce a premature termination codon and is predicted to result in an absent or altered protein product. Loss of function is an established disease mechanism for CEP78-associated disorders. Also, this variant is rare in population databases. Based on the currently available evidence, this variant is classified as likely pathogenic.

NM_001330691.3(CEP78):c.1760del (p.Pro587fs)

Gene: CEP78 (centrosomal protein 78; plus strand). Cytogenetic location: 9q21.2.
Variant type: Deletion.
Coding change: c.1760del on transcript NM_001330691.3 (MANE Select); coding-DNA position 1760, one base deleted (C; older notation c.1760delC).
Protein change: p.Pro587fs; shifts the reading frame from proline 587.
Molecular consequence: frameshift variant.
Genome position (GRCh38, 1-based): chr9:78,265,506, C deleted; the last of 2 consecutive C bases (chr9:78,265,505-78,265,506); deleting either gives the same sequence. VCF-style (leftmost placement, unchanged base first): chr9-78265504-AC-A. GRCh37 (hg19) VCF-style: chr9-80880420-AC-A.
Other names: c.1763del, p.Pro588fs (NM_001098802.3, NM_001349839.2, NM_001349840.2 and 1 more transcripts); c.1760del, p.Pro587fs (NM_001330693.3, NM_001330694.2, NM_001349838.2); short protein forms P587fs, P588fs.
Identifiers: ClinVar variation 4884278 (VCV004884278.2), dbSNP rs1370619767.
Genomic context (GRCh38, chr9:78,265,504, plus strand): 5'-TTCTACTGTTAGTAATCCACCTAAAGAAGAAAAGAAGGCGCTTGAAGATGAAAAACCAGA[AC>A]CGAAGCAGAATGCCCTAGGGCAAATGCAAAATATCCAGGTAAATGAATAGAACAGAACTT-3'